The following is an entry in ClinVar:

ClinVar aggregate classification (germline): Uncertain significance. Review status: criteria provided, multiple submitters, no conflicts (2 of 4 stars). 2 submissions from 2 submitters: Uncertain significance (2). Last evaluated 2023-09-08.

Conditions:
Inborn genetic diseases. Identifiers: MedGen C0950123, MeSH D030342.

gnomAD v4.1: 2 of 1,611,876 alleles (0.00012%); highest among the groups gnomAD compares: Middle Eastern, 0.017%; no homozygotes.

Submissions (2):

Labcorp Genetics (formerly Invitae), Labcorp
Classification: Uncertain significance. Last evaluated: 2023-09-08. Review status: criteria provided, single submitter. Criteria: Invitae Variant Classification Sherloc (09022015). Collection method: clinical testing. Allele origin: germline.
Comment: An algorithm developed to predict the effect of missense changes on protein structure and function (PolyPhen-2) suggests that this variant is likely to be tolerated. ClinVar contains an entry for this variant (Variation ID: 2255456). This variant has not been reported in the literature in individuals affected with RAD51-related conditions. This variant is not present in population databases (gnomAD no frequency). This sequence change replaces glycine, which is neutral and non-polar, with serine, which is neutral and polar, at codon 151 of the RAD51 protein (p.Gly151Ser). In summary, the available evidence is currently insufficient to determine the role of this variant in disease. Therefore, it has been classified as a Variant of Uncertain Significance.

Ambry Genetics
Classification: Uncertain significance for Inborn genetic diseases. Last evaluated: 2021-10-14. Review status: criteria provided, single submitter. Criteria: Ambry Variant Classification Scheme 2023. Collection method: clinical testing. Allele origin: germline.

NM_002875.5(RAD51):c.451G>A (p.Gly151Ser)

Gene: RAD51 (RAD51 recombinase; plus strand). Cytogenetic location: 15q15.1.
Variant type: single nucleotide variant.
Coding change: c.451G>A on transcript NM_002875.5 (MANE Select); coding-DNA position 451, G replaced by A.
Protein change: p.Gly151Ser; replaces glycine 151 with serine.
Molecular consequence: missense variant.
Genome position (GRCh38, 1-based): chr15:40,718,820, G>A. VCF-style: chr15-40718820-G-A. GRCh37 (hg19) VCF-style: chr15-41011018-G-A.
Other names: c.454G>A, p.Gly152Ser (NM_001164269.2, NM_133487.4); c.451G>A, p.Gly151Ser (NM_001164270.2); short protein forms G151S, G152S.
Identifiers: ClinVar variation 2255456 (VCV002255456.5), dbSNP rs1247974770, ClinGen allele CA391753279.
Genomic context (GRCh38, chr15:40,718,820, plus strand): 5'-CAGAAATACAATGTTCATTTCTACTGTTGTTTTTGTTCTCTATAGCTTCCCATTGACCGG[G>A]GTGGAGGTGAAGGAAAGGCCATGTACATTGACACTGAGGGTACCTTTAGGCCAGAACGGC-3'
Protein context (NP_002866.2, residues 141-161): AVTCQLPIDR[Gly151Ser]GGEGKAMYID